The following is an entry in ClinVar:

ClinVar aggregate classification (germline): Pathogenic (1 of 4 stars; one submission).

Conditions:
Facioscapulohumeral muscular dystrophy 2 (FSHD2). Also called: MUSCULAR DYSTROPHY, FACIOSCAPULOHUMERAL, TYPE 1B; FACIOSCAPULOHUMERAL MUSCULAR DYSTROPHY 2, DIGENIC; FSHD2, DIGENIC. Identifiers: Orphanet 269, MedGen C1834671, MONDO:0008031, OMIM 158901.

Submission:

Labcorp Genetics (formerly Invitae), Labcorp
Classification: Pathogenic for Facioscapulohumeral muscular dystrophy 2. Last evaluated: 2022-10-18. Review status: criteria provided, single submitter. Criteria: Invitae Variant Classification Sherloc (09022015). Collection method: clinical testing. Allele origin: germline.
Comment: This sequence change creates a premature translational stop signal (p.Pro1145Leufs*7) in the SMCHD1 gene. It is expected to result in an absent or disrupted protein product. Loss-of-function variants in SMCHD1 are known to be pathogenic (PMID: 23143600). This variant is not present in population databases (gnomAD no frequency). This variant has not been reported in the literature in individuals affected with SMCHD1-related conditions. ClinVar contains an entry for this variant (Variation ID: 958410). For these reasons, this variant has been classified as Pathogenic.

Literature cited by the submitters: PubMed 23143600.

NM_015295.3(SMCHD1):c.3434del (p.Pro1145fs)

Gene: SMCHD1 (structural maintenance of chromosomes flexible hinge domain containing 1; plus strand). Cytogenetic location: 18p11.32.
Variant type: Deletion.
Coding change: c.3434del on transcript NM_015295.3 (MANE Select); coding-DNA position 3434, one base deleted (C; older notation c.3434delC).
Protein change: p.Pro1145fs; shifts the reading frame from proline 1145.
Molecular consequence: frameshift variant.
Genome position (GRCh38, 1-based): chr18:2,739,440, C deleted; the last of 2 consecutive C bases (chr18:2,739,439-2,739,440); deleting either gives the same sequence. VCF-style (leftmost placement, unchanged base first): chr18-2739438-TC-T. GRCh37 (hg19) VCF-style: chr18-2739436-TC-T.
Other names: short protein forms P1145fs.
Identifiers: ClinVar variation 958410 (VCV000958410.9), dbSNP rs2075307655, ClinGen allele CA1139665941.